The following is an entry in ClinVar:

ClinVar aggregate classification (germline): Uncertain significance (1 of 4 stars; one submission).

Submission:

Labcorp Genetics (formerly Invitae), Labcorp
Classification: Uncertain significance. Last evaluated: 2024-07-17. Review status: criteria provided, single submitter. Criteria: Invitae Variant Classification Sherloc (09022015). Collection method: clinical testing. Allele origin: germline.
Comment: This sequence change replaces glycine, which is neutral and non-polar, with serine, which is neutral and polar, at codon 244 of the ALPL protein (p.Gly244Ser). This variant is not present in population databases (gnomAD no frequency). This variant has not been reported in the literature in individuals affected with ALPL-related conditions. Advanced modeling of protein sequence and biophysical properties (such as structural, functional, and spatial information, amino acid conservation, physicochemical variation, residue mobility, and thermodynamic stability) performed at Invitae indicates that this missense variant is expected to disrupt ALPL protein function with a positive predictive value of 95%. In summary, the available evidence is currently insufficient to determine the role of this variant in disease. Therefore, it has been classified as a Variant of Uncertain Significance.

NM_000478.6(ALPL):c.730G>A (p.Gly244Ser)

Gene: ALPL (alkaline phosphatase, biomineralization associated; plus strand). Cytogenetic location: 1p36.12.
Variant type: single nucleotide variant.
Coding change: c.730G>A on transcript NM_000478.6 (MANE Select); coding-DNA position 730, G replaced by A.
Protein change: p.Gly244Ser; replaces glycine 244 with serine.
Molecular consequence: missense variant.
Genome position (GRCh38, 1-based): chr1:21,568,185, G>A. VCF-style: chr1-21568185-G-A. GRCh37 (hg19) VCF-style: chr1-21894678-G-A.
Other names: c.565G>A, p.Gly189Ser (NM_001127501.4); c.499G>A, p.Gly167Ser (NM_001177520.3); c.730G>A, p.Gly244Ser (NM_001369803.2, NM_001369804.2, NM_001369805.2); short protein forms G167S, G244S, G189S.
Identifiers: ClinVar variation 3692877 (VCV003692877.2).